The following is an entry in ClinVar:

ClinVar aggregate classification (germline): Uncertain significance (1 of 4 stars; one submission).

Conditions:
Severe X-linked myotubular myopathy (CNMX). Also called: MYOTUBULAR MYOPATHY 1; Myotubular myopathy, X-linked; X-linked centronuclear myopathy. Identifiers: Orphanet 596, MedGen C0410203, MONDO:0010683, OMIM 310400.

Submission:

Labcorp Genetics (formerly Invitae), Labcorp
Classification: Uncertain significance for Severe X-linked myotubular myopathy. Last evaluated: 2019-08-23. Review status: criteria provided, single submitter. Criteria: Invitae Variant Classification Sherloc (09022015). Collection method: clinical testing. Allele origin: germline.
Comment: This variant results in a copy number gain of the genomic region encompassing exons 5-15 of the MTM1 gene. The 5' boundary is likely confined to intron 4. The 3' end of this event is unknown as it extends beyond the assayed region for this gene and therefore may encompass additional genes. As the precise location of this event is unknown, it may be in tandem or it may be located elsewhere in the genome. This variant has not been reported in the literature in individuals with MTM1-related conditions. In summary, the available evidence is currently insufficient to determine the role of this variant in disease. Therefore, it has been classified as a Variant of Uncertain Significance.

NC_000023.10:g.(?_149783052)_(149840078_?)dup

Gene: MTM1 (myotubularin 1; plus strand). Cytogenetic location: Xq28.
Variant type: Duplication.
Identifiers: ClinVar variation 832044 (VCV000832044.2).